The following is an entry in ClinVar:

ClinVar aggregate classification (germline): Benign (0 of 4 stars; one submission).

Conditions:
NAV2-related disorder. Also called: NAV2-related condition.

Allele frequency attached by ClinVar (database versions not stated): 1000 Genomes Project 0.00639; 1000 Genomes Project 30x 0.00640; ESP Exome Variant Server 0.01422; TOPMed 0.01427; gnomAD 0.01497; ExAC 0.01544; gnomAD exomes 0.02209.
gnomAD v4.1: 34,586 of 1,614,002 alleles (2.1%); highest among the groups gnomAD compares: Non-Finnish European, 2.5%; 457 homozygotes.

Submission:

PreventionGenetics, part of Exact Sciences
Classification: Benign for NAV2-related condition. Last evaluated: 2019-12-03. Review status: no assertion criteria provided. Collection method: clinical testing. Allele origin: germline.
Comment: This variant is classified as benign based on ACMG/AMP sequence variant interpretation guidelines (Richards et al. 2015 PMID: 25741868, with internal and published modifications).

NM_145117.5(NAV2):c.4297A>G (p.Ile1433Val)

Genes: NAV2 (neuron navigator 2; plus strand), NAV2-AS2 (NAV2 antisense RNA 2; minus strand), LOC126861158 (BRD4-independent group 4 enhancer GRCh37_chr11:20070019-20071218; plus strand). Cytogenetic location: 11p15.1.
Variant type: single nucleotide variant.
Coding change: c.4297A>G on transcript NM_145117.5 (MANE Select); coding-DNA position 4297, A replaced by G.
Protein change: p.Ile1433Val; replaces isoleucine 1433 with valine.
Molecular consequence: missense variant. On other transcripts: non-coding transcript variant (1).
Genome position (GRCh38, 1-based): chr11:20,049,122, A>G. VCF-style: chr11-20049122-A-G. GRCh37 (hg19) VCF-style: chr11-20070668-A-G.
Other names: c.4105A>G, p.Ile1369Val (NM_001111018.2); c.1555A>G, p.Ile519Val (NM_001111019.3); c.4366A>G, p.Ile1456Val (NM_001244963.2); c.4297A>G, p.Ile1433Val (NM_182964.6); short protein forms I1369V, I1433V, I1456V, I519V.
Identifiers: ClinVar variation 3037721 (VCV003037721.2), dbSNP rs61739975, ClinGen allele CA5918623.
Genomic context (GRCh38, chr11:20,049,122, plus strand): 5'-TCCATCGACATCTCCCTCAGCAGTGGAGGGGTCCCCAGCCACAATTCTTCCACTGGCCTC[A>G]TCGCCTCCTCCAAGGACGACTCCTTGACTCCCTTTGTCAGAACTAACAGTGTGAAGACCA-3'
Protein context (NP_660093.2, residues 1423-1443): VPSHNSSTGL[Ile1433Val]ASSKDDSLTP